The following is an entry in ClinVar:

ClinVar aggregate classification (germline): Uncertain significance (1 of 4 stars; one submission).

Conditions:
Pyruvate dehydrogenase E1-alpha deficiency (PDHAD). Also called: ATAXIA, INTERMITTENT, WITH PYRUVATE DEHYDROGENASE DEFICIENCY; ATAXIA WITH LACTIC ACIDOSIS I; ATAXIA, INTERMITTENT, WITH ABNORMAL PYRUVATE METABOLISM; Ataxia, intermittent, with pyruvate dehydrogenase, or decarboxylase, deficiency. Identifiers: Orphanet 79243, MedGen C1839413, MONDO:0010717, OMIM 312170.

Submission:

Labcorp Genetics (formerly Invitae), Labcorp
Classification: Uncertain significance for Pyruvate dehydrogenase E1-alpha deficiency. Last evaluated: 2024-09-03. Review status: criteria provided, single submitter. Criteria: Invitae Variant Classification Sherloc (09022015). Collection method: clinical testing. Allele origin: germline.
Comment: This sequence change replaces glutamic acid, which is acidic and polar, with alanine, which is neutral and non-polar, at codon 305 of the PDHA1 protein (p.Glu305Ala). This variant is not present in population databases (gnomAD no frequency). This variant has not been reported in the literature in individuals affected with PDHA1-related conditions. Invitae Evidence Modeling of protein sequence and biophysical properties (such as structural, functional, and spatial information, amino acid conservation, physicochemical variation, residue mobility, and thermodynamic stability) indicates that this missense variant is expected to disrupt PDHA1 protein function with a positive predictive value of 95%. In summary, the available evidence is currently insufficient to determine the role of this variant in disease. Therefore, it has been classified as a Variant of Uncertain Significance.

NM_000284.4(PDHA1):c.914A>C (p.Glu305Ala)

Gene: PDHA1 (pyruvate dehydrogenase E1 subunit alpha 1; plus strand). Cytogenetic location: Xp22.12.
Variant type: single nucleotide variant.
Coding change: c.914A>C on transcript NM_000284.4 (MANE Select); coding-DNA position 914, A replaced by C.
Protein change: p.Glu305Ala; replaces glutamic acid 305 with alanine.
Molecular consequence: missense variant.
Genome position (GRCh38, 1-based): chrX:19,358,930, A>C. VCF-style: chrX-19358930-A-C. GRCh37 (hg19) VCF-style: chrX-19377048-A-C.
Other names: c.1028A>C, p.Glu343Ala (NM_001173454.2); c.935A>C, p.Glu312Ala (NM_001173455.2); c.821A>C, p.Glu274Ala (NM_001173456.2); short protein forms E312A, E343A, E274A, E305A.
Identifiers: ClinVar variation 3664371 (VCV003664371.2).